The following is an entry in ClinVar:

NM_003482.4(KMT2D):c.10785T>C (p.Tyr3595=)

Gene: KMT2D (lysine methyltransferase 2D; minus strand). Cytogenetic location: 12q13.12.
Variant type: single nucleotide variant.
Coding change: c.10785T>C on transcript NM_003482.4 (MANE Select); coding-DNA position 10785, T replaced by C.
Protein change: p.Tyr3595=; no amino-acid change (tyrosine 3595 retained).
Molecular consequence: synonymous variant.
Genome position (GRCh38, 1-based): chr12:49,033,920, A>G on the plus strand (T>C on the coding strand, the complement: KMT2D is on the minus strand). VCF-style: chr12-49033920-A-G. GRCh37 (hg19) VCF-style: chr12-49427703-A-G.
Identifiers: ClinVar variation 682241 (VCV000682241.1), dbSNP rs1592122610, ClinGen allele CA479709523.

ClinVar aggregate classification (germline): Likely benign (1 of 4 stars; one submission).

Submission:

GeneDx
Classification: Likely benign. Last evaluated: 2018-05-01. Review status: criteria provided, single submitter. Criteria: GeneDx Variant Classification (06012015). Collection method: clinical testing. Allele origin: germline. Affected: yes.
Comment: This variant is considered likely benign or benign based on one or more of the following criteria: it is a conservative change, it occurs at a poorly conserved position in the protein, it is predicted to be benign by multiple in silico algorithms, and/or has population frequency not consistent with disease.